The following is an entry in ClinVar:

NM_005188.4(CBL):c.349G>A (p.Val117Met)

Gene: CBL (Cbl proto-oncogene; plus strand). Cytogenetic location: 11q23.3.
Variant type: single nucleotide variant.
Coding change: c.349G>A on transcript NM_005188.4 (MANE Select); coding-DNA position 349, G replaced by A.
Protein change: p.Val117Met; replaces valine 117 with methionine.
Molecular consequence: missense variant.
Genome position (GRCh38, 1-based): chr11:119,232,601, G>A. VCF-style: chr11-119232601-G-A. GRCh37 (hg19) VCF-style: chr11-119103311-G-A.
Other names: short protein forms V117M.
Identifiers: ClinVar variation 4778702 (VCV004778702.1).
Genomic context (GRCh38, chr11:119,232,601, plus strand): 5'-ACTATCTTGTCAAGATATGAGGGGAAGATGGAGACACTTGGAGAAAATGAGTATTTTAGG[G>A]TGTTTATGGAGAATTTGATGAAGAAAACTAAGCAAACCATAAGCCTCTTCAAGGAGGGAA-3'
Protein context (NP_005179.2, residues 107-127): ETLGENEYFR[Val117Met]FMENLMKKTK

ClinVar aggregate classification (germline): Uncertain significance (1 of 4 stars; one submission).

Conditions:
RASopathy. Also called: Noonan spectrum disorder; rasopathies. Identifiers: Orphanet 536391, MedGen C5555857, MONDO:0021060.

Submission:

Labcorp Genetics (formerly Invitae), Labcorp
Classification: Uncertain significance for RASopathy. Last evaluated: 2025-09-28. Review status: criteria provided, single submitter. Criteria: Invitae Variant Classification Sherloc (09022015). Collection method: clinical testing. Allele origin: germline.
Comment: This sequence change replaces valine, which is neutral and non-polar, with methionine, which is neutral and non-polar, at codon 117 of the CBL protein (p.Val117Met). This variant is not present in population databases (gnomAD no frequency). This variant has not been reported in the literature in individuals affected with CBL-related conditions. Invitae Evidence Modeling of protein sequence and biophysical properties (such as structural, functional, and spatial information, amino acid conservation, physicochemical variation, residue mobility, and thermodynamic stability) indicates that this missense variant is not expected to disrupt CBL protein function with a negative predictive value of 95%. In summary, the available evidence is currently insufficient to determine the role of this variant in disease. Therefore, it has been classified as a Variant of Uncertain Significance.